The following is an entry in ClinVar:

ClinVar aggregate classification (germline): Uncertain significance (1 of 4 stars; one submission).

Conditions:
Familial cancer of breast. Also called: Hereditary breast cancer; hereditary breast carcinoma; BREAST CANCER, FAMILIAL. Identifiers: Orphanet 227535, MedGen C0346153, MONDO:0016419, OMIM 114480. Disease mechanism: loss of function.

Submission:

Labcorp Genetics (formerly Invitae), Labcorp
Classification: Uncertain significance for Hereditary Breast Carcinoma. Last evaluated: 2019-07-10. Review status: criteria provided, single submitter. Criteria: Invitae Variant Classification Sherloc (09022015). Collection method: clinical testing. Allele origin: germline.
Comment: This variant results in a copy number gain of the genomic region encompassing exons 14-15 of the CHEK2 gene. The 5' boundary is likely confined to intron 13. The 3' end of this event is unknown as it extends beyond the assayed region for this gene and therefore may encompass additional genes. As the precise location of this event is unknown, it may be in tandem or it may be located elsewhere in the genome. This variant has not been reported in the literature in individuals with CHEK2-related disease. Experimental studies and prediction algorithms are not available for this variant, and the functional significance of the duplicated amino acids is currently unknown. In summary, the available evidence is currently insufficient to determine the role of this variant in disease. Therefore, it has been classified as a Variant of Uncertain Significance.

NC_000022.10:g.(?_29083875)_(29085213_?)dup

Gene: CHEK2 (checkpoint kinase 2; minus strand). Cytogenetic location: 22q12.1.
Variant type: Duplication.
Identifiers: ClinVar variation 583775 (VCV000583775.4).